The following is an entry in ClinVar:

NM_000551.4(VHL):c.464-16G>T

Genes: VHL (von Hippel-Lindau tumor suppressor; plus strand), LOC107303340 (3p25 von Hippel-Lindau tumor suppressor, E3 ubiquitin protein ligase Alu-mediated recombination region; plus strand). Cytogenetic location: 3p25.3.
Variant type: single nucleotide variant.
Coding change: c.464-16G>T on transcript NM_000551.4 (MANE Select); 16 bases into the intron before coding-DNA position 464, G replaced by T.
Molecular consequence: intron variant.
Genome position (GRCh38, 1-based): chr3:10,149,771, G>T. VCF-style: chr3-10149771-G-T. GRCh37 (hg19) VCF-style: chr3-10191455-G-T.
Other names: c.*18-16G>T (NM_001354723.2); c.341-16G>T (NM_198156.3).
Identifiers: ClinVar variation 1665698 (VCV001665698.9), dbSNP rs1453921703, ClinGen allele CA541213525.

ClinVar aggregate classification (germline): Likely benign. Review status: criteria provided, multiple submitters, no conflicts (2 of 4 stars). 2 submissions from 2 submitters: Likely benign (2). Last evaluated 2025-06-12.

Conditions:
Von Hippel-Lindau syndrome (VHLS). Also called: Von Hippel-Lindau; von Hippel–Lindau syndrome; VHL syndrome. Identifiers: Orphanet 892, MedGen C0019562, MONDO:0008667, OMIM 193300. Disease mechanism: loss of function.
Chuvash polycythemia. Also called: POLYCYTHEMIA, VHL-DEPENDENT. Identifiers: Orphanet 238557, MedGen C1837915, MONDO:0009892, OMIM 263400.

Submissions (2):

Myriad Genetics, Inc.
Classification: Likely benign for Von Hippel-Lindau syndrome. Last evaluated: 2025-06-12. Review status: criteria provided, single submitter. Criteria: Myriad Autosomal Dominant, Autosomal Recessive and X-Linked Classification Criteria (2023). Collection method: clinical testing. Allele origin: unknown.
Comment: This variant is considered likely benign. This variant is intronic and is not expected to impact mRNA splicing.

Labcorp Genetics (formerly Invitae), Labcorp
Classification: Likely benign for Von Hippel-Lindau syndrome; Chuvash polycythemia. Last evaluated: 2022-09-07. Review status: criteria provided, single submitter. Criteria: Invitae Variant Classification Sherloc (09022015). Collection method: clinical testing. Allele origin: germline.